The following is an entry in ClinVar:

NM_205861.3(DHDDS):c.56T>G (p.Ile19Ser)

Gene: DHDDS (dehydrodolichyl diphosphate synthase subunit; plus strand). Cytogenetic location: 1p36.11.
Variant type: single nucleotide variant.
Coding change: c.56T>G on transcript NM_205861.3 (MANE Select); coding-DNA position 56, T replaced by G.
Protein change: p.Ile19Ser; replaces isoleucine 19 with serine.
Molecular consequence: missense variant. On other transcripts: 5 prime UTR variant (1).
Genome position (GRCh38, 1-based): chr1:26,433,001, T>G. VCF-style: chr1-26433001-T-G. GRCh37 (hg19) VCF-style: chr1-26759492-T-G.
Other names: c.56T>G, p.Ile19Ser (NM_001243564.2, NM_001243565.2, NM_024887.4); c.-247T>G (NM_001319959.2); short protein forms I19S.
Identifiers: ClinVar variation 2819952 (VCV002819952.3), dbSNP rs2524405574, ClinGen allele CA339137115.
Genomic context (GRCh38, chr1:26,433,001, plus strand): 5'-GAACTATGTCATGGATCAAGGAAGGAGAGCTGTCACTTTGGGAGCGGTTCTGTGCCAACA[T>G]CATAAAGGTGAGCAATGGCCCAGAGCACCGGTTGGCCTTCTGGTCAGTTGGATAATCTTA-3'
Protein context (NP_995583.1, residues 9-29): LSLWERFCAN[Ile19Ser]IKAGPMPKHI

ClinVar aggregate classification (germline): Uncertain significance (1 of 4 stars; one submission).

Conditions:
Retinitis pigmentosa 59 (RP59). Identifiers: Orphanet 791, MedGen C3151227, MONDO:0013468, OMIM 613861.

Submission:

Labcorp Genetics (formerly Invitae), Labcorp
Classification: Uncertain significance for Retinitis pigmentosa 59. Last evaluated: 2023-08-10. Review status: criteria provided, single submitter. Criteria: Invitae Variant Classification Sherloc (09022015). Collection method: clinical testing. Allele origin: germline.
Comment: This sequence change replaces isoleucine, which is neutral and non-polar, with serine, which is neutral and polar, at codon 19 of the DHDDS protein (p.Ile19Ser). In summary, the available evidence is currently insufficient to determine the role of this variant in disease. Therefore, it has been classified as a Variant of Uncertain Significance. Advanced modeling of protein sequence and biophysical properties (such as structural, functional, and spatial information, amino acid conservation, physicochemical variation, residue mobility, and thermodynamic stability) performed at Invitae indicates that this missense variant is not expected to disrupt DHDDS protein function. This variant has not been reported in the literature in individuals affected with DHDDS-related conditions. This variant is not present in population databases (gnomAD no frequency).